The following is an entry in ClinVar:

NM_000543.5(SMPD1):c.558G>A (p.Pro186=)

Gene: SMPD1 (sphingomyelin phosphodiesterase 1; plus strand). Cytogenetic location: 11p15.4.
Variant type: single nucleotide variant.
Coding change: c.558G>A on transcript NM_000543.5 (MANE Select); coding-DNA position 558, G replaced by A.
Protein change: p.Pro186=; no amino-acid change (proline 186 retained).
Molecular consequence: synonymous variant. On other transcripts: 5 prime UTR variant (1), non-coding transcript variant (1).
Genome position (GRCh38, 1-based): chr11:6,391,623, G>A. VCF-style: chr11-6391623-G-A. GRCh37 (hg19) VCF-style: chr11-6412853-G-A.
Other names: c.558G>A (NM_000543.4); c.555G>A, p.Pro185= (NM_001007593.3); c.558G>A, p.Pro186= (NM_001318087.2, NM_001365135.2); c.-404G>A (NM_001318088.2).
Identifiers: ClinVar variation 598685 (VCV000598685.16), dbSNP rs1464825418, ClinGen allele CA5852625.

ClinVar aggregate classification (germline): Conflicting classifications of pathogenicity. Review status: criteria provided, conflicting classifications (1 of 4 stars). 5 submissions from 5 submitters: Uncertain significance (1); Likely benign (3). 1 of the submissions does not count toward it. Last evaluated 2026-01-25.

Conditions:
Niemann-Pick disease, type B. Also called: Chronic Visceral ASMD (Niemann-Pick Disease Type B; NPD-B). Identifiers: Orphanet 77293, MedGen C0268243, MONDO:0011871, OMIM 607616. Disease mechanism: loss of function.
Niemann-Pick disease, type A. Also called: Infantile Neurovisceral ASMD (Niemann-Pick Disease Type A; NPD-A); SPHINGOMYELIN LIPIDOSIS; SPHINGOMYELINASE DEFICIENCY. Identifiers: Orphanet 77292, MedGen C0268242, MONDO:0009756, OMIM 257200. Disease mechanism: loss of function.
SMPD1-related disorder. Also called: SMPD1-related condition.
Inborn genetic diseases. Identifiers: MedGen C0950123, MeSH D030342.

Allele frequency attached by ClinVar (database versions not stated): gnomAD 0.00003; TOPMed 0.00003; gnomAD exomes 0.00014; ExAC 0.00021.

Submissions (5):

Labcorp Genetics (formerly Invitae), Labcorp
Classification: Likely benign for Niemann-Pick disease, type B; Niemann-Pick disease, type A. Last evaluated: 2026-01-25. Review status: criteria provided, single submitter. Criteria: Invitae Variant Classification Sherloc (09022015). Collection method: clinical testing. Allele origin: germline.

PreventionGenetics, part of Exact Sciences
Classification: Likely benign for SMPD1-related condition. Last evaluated: 2025-05-27. Review status: criteria provided, single submitter. Criteria: ACMG Guidelines, 2015. Collection method: clinical testing. Allele origin: germline.
Comment: This variant is classified as likely benign based on ACMG/AMP sequence variant interpretation guidelines (Richards et al. 2015 PMID: 25741868, with internal and published modifications).

Ambry Genetics
Classification: Likely benign for Inborn genetic diseases. Last evaluated: 2023-01-12. Review status: criteria provided, single submitter. Criteria: Ambry Variant Classification Scheme 2023. Collection method: clinical testing. Allele origin: germline.

Eurofins Ntd Llc (ga)
Classification: Uncertain significance. Last evaluated: 2018-09-12. Review status: criteria provided, single submitter. Criteria: EGL ClinVar v180209 classification definitions. Collection method: clinical testing. Allele origin: germline. Observed: 1 variant allele, 1 heterozygote.

Natera, Inc.
Classification: Likely benign for Niemann-Pick Disease, Types A/B. Last evaluated: 2018-11-04. Review status: no assertion criteria provided. Collection method: clinical testing. Allele origin: germline. Not counted in ClinVar's aggregate classification.